The following is an entry in ClinVar:

ClinVar aggregate classification (germline): Uncertain significance. Review status: criteria provided, multiple submitters, no conflicts (2 of 4 stars). 3 submissions from 3 submitters: Uncertain significance (3). Last evaluated 2025-06-01.

Allele frequency attached by ClinVar (database versions not stated): gnomAD exomes below 0.00001; TOPMed 0.00001.
gnomAD v4.1: 3 of 1,614,250 alleles (0.00019%); highest among the groups gnomAD compares: Middle Eastern, 0.016%; no homozygotes.

Submissions (3):

CeGaT Center for Human Genetics Tuebingen
Classification: Uncertain significance. Last evaluated: 2025-06-01. Review status: criteria provided, single submitter. Criteria: CeGaT Center For Human Genetics Tuebingen Variant Classification Criteria Version 2. Collection method: clinical testing. Allele origin: germline. Affected: yes. Observed: 1 variant allele.
Comment: DOCK8: PM2

Labcorp Genetics (formerly Invitae), Labcorp
Classification: Uncertain significance for Combined immunodeficiency due to DOCK8 deficiency. Last evaluated: 2022-08-23. Review status: criteria provided, single submitter. Criteria: Invitae Variant Classification Sherloc (09022015). Collection method: clinical testing. Allele origin: germline.
Comment: ClinVar contains an entry for this variant (Variation ID: 951845). This variant has not been reported in the literature in individuals affected with DOCK8-related conditions. This variant is not present in population databases (gnomAD no frequency). This sequence change replaces lysine, which is basic and polar, with glutamic acid, which is acidic and polar, at codon 1204 of the DOCK8 protein (p.Lys1204Glu). Algorithms developed to predict the effect of missense changes on protein structure and function (SIFT, PolyPhen-2, Align-GVGD) all suggest that this variant is likely to be tolerated. In summary, the available evidence is currently insufficient to determine the role of this variant in disease. Therefore, it has been classified as a Variant of Uncertain Significance.

Breakthrough Genomics
Classification: Uncertain significance. Review status: criteria provided, single submitter. Criteria: ACMG Guidelines, 2015. Collection method: not provided. Allele origin: germline. Inheritance: Autosomal recessive inheritance. Affected: yes.

NM_203447.4(DOCK8):c.3610A>G (p.Lys1204Glu)

Gene: DOCK8 (dedicator of cytokinesis 8; plus strand). Cytogenetic location: 9p24.3.
Variant type: single nucleotide variant.
Coding change: c.3610A>G on transcript NM_203447.4 (MANE Select); coding-DNA position 3610, A replaced by G.
Protein change: p.Lys1204Glu; replaces lysine 1204 with glutamic acid.
Molecular consequence: missense variant.
Genome position (GRCh38, 1-based): chr9:414,861, A>G. VCF-style: chr9-414861-A-G. GRCh37 (hg19) VCF-style: chr9-414861-A-G.
Other names: c.3310A>G, p.Lys1104Glu (NM_001190458.2); c.3406A>G, p.Lys1136Glu (NM_001193536.2); short protein forms K1104E, K1204E, K1136E.
Identifiers: ClinVar variation 951845 (VCV000951845.19), dbSNP rs916231559, ClinGen allele CA187777494.
Genomic context (GRCh38, chr9:414,861, plus strand): 5'-AAAGCTGTCAGTGCAATTCACAGCCTGCTAAGTTCTCACGACCTGGACCCACGCTGTGTC[A>G]AACCAGAGGTGAAGGTCAAAATCGCCGCCCTTTACCTACCTTTAGTTGGCATCATTTTGG-3'
Protein context (NP_982272.2, residues 1194-1214): SSHDLDPRCV[Lys1204Glu]PEVKVKIAAL